The following is an entry in ClinVar:

ClinVar aggregate classification (germline): Uncertain significance (1 of 4 stars; one submission).

Conditions:
Hereditary sensory and autonomic neuropathy type 6. Also called: HSAN VI; Neuropathy, hereditary sensory and autonomic, type VI. Identifiers: Orphanet 314381, MedGen C3539003, MONDO:0013839, OMIM 614653.
Epidermolysis bullosa simplex 3, localized or generalized intermediate, with BP230 deficiency (EBS3). Also called: Epidermolysis bullosa simplex due to BP230 deficiency; Epidermolysis bullosa simplex, autosomal recessive 2. Identifiers: Orphanet 412181, MedGen C3809470, MONDO:0014180, OMIM 615425.

Submission:

Labcorp Genetics (formerly Invitae), Labcorp
Classification: Uncertain significance for Epidermolysis bullosa simplex 3, localized or generalized intermediate, with BP230 deficiency; Hereditary sensory and autonomic neuropathy type 6. Last evaluated: 2022-09-07. Review status: criteria provided, single submitter. Criteria: Invitae Variant Classification Sherloc (09022015). Collection method: clinical testing. Allele origin: germline.
Comment: In summary, the available evidence is currently insufficient to determine the role of this variant in disease. Therefore, it has been classified as a Variant of Uncertain Significance. Algorithms developed to predict the effect of missense changes on protein structure and function output the following: SIFT: "Tolerated"; PolyPhen-2: "Benign"; Align-GVGD: "Class C0". The leucine amino acid residue is found in multiple mammalian species, which suggests that this missense change does not adversely affect protein function. This variant has not been reported in the literature in individuals affected with DST-related conditions. This variant is not present in population databases (gnomAD no frequency). This sequence change replaces isoleucine, which is neutral and non-polar, with leucine, which is neutral and non-polar, at codon 564 of the DST protein (p.Ile564Leu).

NM_001374736.1(DST):c.3301A>C (p.Ile1101Leu)

Gene: DST (dystonin; minus strand). Cytogenetic location: 6p12.1.
Variant type: single nucleotide variant.
Coding change: c.3301A>C on transcript NM_001374736.1 (MANE Select); coding-DNA position 3301, A replaced by C.
Protein change: p.Ile1101Leu; replaces isoleucine 1101 with leucine.
Molecular consequence: missense variant.
Genome position (GRCh38, 1-based): chr6:56,634,839, T>G on the plus strand (A>C on the coding strand, the complement: DST is on the minus strand). VCF-style: chr6-56634839-T-G. GRCh37 (hg19) VCF-style: chr6-56499637-T-G.
Other names: c.3202A>C, p.Ile1068Leu (NM_001144769.5); c.2788A>C, p.Ile930Leu (NM_001144770.2); c.3301A>C, p.Ile1101Leu (NM_001374722.1); c.2668A>C, p.Ile890Leu (NM_001374729.1, NM_001374730.1, NM_001386100.1 and 1 more transcripts); c.3328A>C, p.Ile1110Leu (NM_001374734.1); c.1690A>C, p.Ile564Leu (NM_001723.7, NM_015548.5); short protein forms I890L, I930L, I1101L, I1110L, I564L, I1068L.
Identifiers: ClinVar variation 2002320 (VCV002002320.4), dbSNP rs2537055879, ClinGen allele CA364576264.